The following is an entry in ClinVar:

NM_174936.4(PCSK9):c.1864G>A (p.Val622Met)

Gene: PCSK9 (proprotein convertase subtilisin/kexin type 9; plus strand). Cytogenetic location: 1p32.3.
Variant type: single nucleotide variant.
Coding change: c.1864G>A on transcript NM_174936.4 (MANE Select); coding-DNA position 1864, G replaced by A.
Protein change: p.Val622Met; replaces valine 622 with methionine.
Molecular consequence: missense variant. On other transcripts: non-coding transcript variant (8).
Genome position (GRCh38, 1-based): chr1:55,063,369, G>A. VCF-style: chr1-55063369-G-A. GRCh37 (hg19) VCF-style: chr1-55529042-G-A.
Other names: c.1987G>A, p.Val663Met (NM_001407240.1); c.1906G>A, p.Val636Met (NM_001407241.1); c.1867G>A, p.Val623Met (NM_001407242.1); c.1807G>A, p.Val603Met (NM_001407243.1); c.1690G>A, p.Val564Met (NM_001407244.1); c.1672G>A, p.Val558Met (NM_001407245.1); c.1489G>A, p.Val497Met (NM_001407246.1); c.1363G>A, p.Val455Met (NM_001407247.1); short protein forms V455M, V497M, V558M, V564M, V603M, V622M, V623M, V636M.
Identifiers: ClinVar variation 3387457 (VCV003387457.1).

ClinVar aggregate classification (germline): Uncertain significance (1 of 4 stars; one submission).

Conditions:
Hypercholesterolemia, autosomal dominant, 3 (FHCL3). Also called: Familial Hypercholesterolemia, Autosomal Dominant, 3; PCSK9-Related Familial Hypercholesterolemia, Autosomal Dominant; Familial hypercholesterolemia 3. Identifiers: MedGen C1863551, MONDO:0011369, OMIM 603776.

gnomAD v4.1: 1 of 1,613,408 alleles (0.000062%); highest among the groups gnomAD compares: African/African-American, 0.0013%; no homozygotes.

Submission:

All of Us Research Program, National Institutes of Health
Classification: Uncertain significance for Hypercholesterolemia, autosomal dominant, 3. Last evaluated: 2024-04-25. Review status: criteria provided, single submitter. Criteria: ACMG Guidelines, 2015. Collection method: clinical testing. Allele origin: germline. Inheritance: Autosomal dominant inheritance. Observed: 1 variant allele, 1 heterozygote.
Comment: This missense variant replaces valine with methionine at codon 622 of the PCSK9 protein. Computational prediction suggests that this variant may not impact protein structure and function (internally defined REVEL score threshold <= 0.5, PMID: 27666373). To our knowledge, functional studies have not been reported for this variant. This variant has not been reported in individuals affected with PCSK9-related disorders in the literature. This variant has not been identified in the general population by the Genome Aggregation Database (gnomAD). The available evidence is insufficient to determine the role of this variant in disease conclusively. Therefore, this variant is classified as a Variant of Uncertain Significance.

This study involves interpretation of variants in research participants for the purpose of population health screening. Participant phenotype was not available at the time of variant classification. Additional details can be found in publication PMID: 35346344, PMCID: PMC8962531